The following is an entry in ClinVar:

ClinVar aggregate classification (germline): Uncertain significance (1 of 4 stars; one submission).

Conditions:
Dyskeratosis congenita. Identifiers: Orphanet 1775, MedGen C0265965, MONDO:0015780.

Allele frequency attached by ClinVar (database versions not stated): gnomAD exomes 0.00001; TOPMed 0.00001.
gnomAD v4.1: 3 of 1,614,228 alleles (0.00019%); highest among the groups gnomAD compares: Non-Finnish European, 0.00025%; no homozygotes.

Submission:

Labcorp Genetics (formerly Invitae), Labcorp
Classification: Uncertain significance for Dyskeratosis congenita. Last evaluated: 2022-12-06. Review status: criteria provided, single submitter. Criteria: Invitae Variant Classification Sherloc (09022015). Collection method: clinical testing. Allele origin: germline.
Comment: In summary, the available evidence is currently insufficient to determine the role of this variant in disease. Therefore, it has been classified as a Variant of Uncertain Significance. Advanced modeling of protein sequence and biophysical properties (such as structural, functional, and spatial information, amino acid conservation, physicochemical variation, residue mobility, and thermodynamic stability) performed at Invitae indicates that this missense variant is not expected to disrupt CTC1 protein function. ClinVar contains an entry for this variant (Variation ID: 1512287). This variant has not been reported in the literature in individuals affected with CTC1-related conditions. This variant is not present in population databases (gnomAD no frequency). This sequence change replaces cysteine, which is neutral and slightly polar, with phenylalanine, which is neutral and non-polar, at codon 128 of the CTC1 protein (p.Cys128Phe).

NM_025099.6(CTC1):c.383G>T (p.Cys128Phe)

Gene: CTC1 (CST telomere replication complex component 1; minus strand). Cytogenetic location: 17p13.1.
Variant type: single nucleotide variant.
Coding change: c.383G>T on transcript NM_025099.6 (MANE Select); coding-DNA position 383, G replaced by T.
Protein change: p.Cys128Phe; replaces cysteine 128 with phenylalanine.
Molecular consequence: missense variant. On other transcripts: non-coding transcript variant (1).
Genome position (GRCh38, 1-based): chr17:8,238,444, C>A on the plus strand (G>T on the coding strand, the complement: CTC1 is on the minus strand). VCF-style: chr17-8238444-C-A. GRCh37 (hg19) VCF-style: chr17-8141762-C-A.
Other names: short protein forms C128F.
Identifiers: ClinVar variation 1512287 (VCV001512287.7), dbSNP rs1339616084, ClinGen allele CA397993238.